The following is an entry in ClinVar:

ClinVar aggregate classification (germline): Benign/Likely benign. Review status: criteria provided, multiple submitters, no conflicts (2 of 4 stars). 2 submissions from 2 submitters: Benign (1); Likely benign (1). Last evaluated 2025-03-04.

Allele frequency attached by ClinVar (database versions not stated): ESP Exome Variant Server 0.00015; gnomAD 0.00095 and 0.00137; TOPMed 0.00125; ExAC 0.00233; gnomAD exomes 0.00262; 1000 Genomes Project 30x 0.00843; 1000 Genomes Project 0.00919.
gnomAD v4.1: 1,720 of 1,571,816 alleles (0.11%); highest among the groups gnomAD compares: East Asian, 3%; 49 homozygotes.

Submissions (2):

Center for Genomic Medicine, Rigshospitalet, Copenhagen University Hospital
Classification: Benign. Last evaluated: 2025-03-04. Review status: criteria provided, single submitter. Criteria: ACMG Guidelines, 2015. Collection method: clinical testing. Allele origin: germline.

GeneDx
Classification: Likely benign. Last evaluated: 2018-06-18. Review status: criteria provided, single submitter. Criteria: GeneDx Variant Classification (06012015). Collection method: clinical testing. Allele origin: germline. Affected: yes.
Comment: This variant is considered likely benign or benign based on one or more of the following criteria: it is a conservative change, it occurs at a poorly conserved position in the protein, it is predicted to be benign by multiple in silico algorithms, and/or has population frequency not consistent with disease.

NM_002691.4(POLD1):c.2250+33G>A

Gene: POLD1 (DNA polymerase delta 1, catalytic subunit; plus strand). Cytogenetic location: 19q13.33.
Variant type: single nucleotide variant.
Coding change: c.2250+33G>A on transcript NM_002691.4 (MANE Select); 33 bases into the intron after coding-DNA position 2250, G replaced by A.
Molecular consequence: intron variant.
Genome position (GRCh38, 1-based): chr19:50,413,554, G>A. VCF-style: chr19-50413554-G-A. GRCh37 (hg19) VCF-style: chr19-50916811-G-A.
Other names: c.2250+33G>A (NM_001256849.1); c.2328+33G>A (NM_001308632.1).
Identifiers: ClinVar variation 676652 (VCV000676652.8), dbSNP rs3219422, ClinGen allele CA9596455.